The following is an entry in ClinVar:

NM_013296.5(GPSM2):c.1263+1G>T

Gene: GPSM2 (G protein signaling modulator 2; plus strand). Cytogenetic location: 1p13.3.
Variant type: single nucleotide variant.
Coding change: c.1263+1G>T on transcript NM_013296.5 (MANE Select); the canonical splice donor site of the intron after coding-DNA position 1263, G replaced by T.
Molecular consequence: splice donor variant.
Genome position (GRCh38, 1-based): chr1:108,914,409, G>T. VCF-style: chr1-108914409-G-T. GRCh37 (hg19) VCF-style: chr1-109457031-G-T.
Other names: c.1263+1G>T (NM_001321038.2, NM_001321039.3).
Identifiers: ClinVar variation 4732947 (VCV004732947.1).

ClinVar aggregate classification (germline): Likely pathogenic (1 of 4 stars; one submission).

gnomAD v4.1: 1 of 1,597,088 alleles (0.000063%); highest among the groups gnomAD compares: African/African-American, 0.0013%; no homozygotes.

Submission:

Labcorp Genetics (formerly Invitae), Labcorp
Classification: Likely pathogenic. Last evaluated: 2025-12-10. Review status: criteria provided, single submitter. Criteria: Invitae Variant Classification Sherloc (09022015). Collection method: clinical testing. Allele origin: germline.
Comment: This sequence change affects a donor splice site in intron 11 of the GPSM2 gene. It is expected to disrupt RNA splicing. Variants that disrupt the donor or acceptor splice site typically lead to a loss of protein function (PMID: 16199547), and loss-of-function variants in GPSM2 are known to be pathogenic (PMID: 22578326, 22987632). This variant is not present in population databases (gnomAD no frequency). This variant has not been reported in the literature in individuals affected with GPSM2-related conditions. Algorithms developed to predict the effect of sequence changes on RNA splicing suggest that this variant may disrupt the consensus splice site. In summary, the currently available evidence indicates that the variant is pathogenic, but additional data are needed to prove that conclusively. Therefore, this variant has been classified as Likely Pathogenic.

Literature cited by the submitters: PubMed 16199547; PubMed 22578326; PubMed 22987632.